The following is an entry in ClinVar:

NM_005204.4(MAP3K8):c.1169C>T (p.Pro390Leu)

Gene: MAP3K8 (mitogen-activated protein kinase kinase kinase 8; plus strand). Cytogenetic location: 10p11.23.
Variant type: single nucleotide variant.
Coding change: c.1169C>T on transcript NM_005204.4 (MANE Select); coding-DNA position 1169, C replaced by T.
Protein change: p.Pro390Leu; replaces proline 390 with leucine.
Molecular consequence: missense variant.
Genome position (GRCh38, 1-based): chr10:30,459,397, C>T. VCF-style: chr10-30459397-C-T. GRCh37 (hg19) VCF-style: chr10-30748326-C-T.
Other names: c.1169C>T, p.Pro390Leu (NM_001244134.1, NM_001320961.2); short protein forms P390L.
Identifiers: ClinVar variation 1444368 (VCV001444368.6), dbSNP rs138733925, ClinGen allele CA5459871.
Genomic context (GRCh38, chr10:30,459,397, plus strand): 5'-AGAGAAACCCCAATCACCGCCCAAGAGCCGCAGACCTACTAAAACATGAGGCCCTGAACC[C>T]GCCCAGAGAGGATCAGCCACGCTGTCAGAGTCTGGACTCTGCCCTCTTGGAGCGCAAGAG-3'
Protein context (NP_005195.2, residues 380-400): ADLLKHEALN[Pro390Leu]PREDQPRCQS

ClinVar aggregate classification (germline): Uncertain significance (1 of 4 stars; one submission).

Allele frequency attached by ClinVar (database versions not stated): gnomAD exomes 0.00003 and 0.00010; ExAC 0.00012; gnomAD 0.00029; TOPMed 0.00030; ESP Exome Variant Server 0.00031; 1000 Genomes Project 30x 0.00078; 1000 Genomes Project 0.00080.

Submission:

Labcorp Genetics (formerly Invitae), Labcorp
Classification: Uncertain significance. Last evaluated: 2026-02-01. Review status: criteria provided, single submitter. Criteria: Invitae Variant Classification Sherloc (09022015). Collection method: clinical testing. Allele origin: germline.
Comment: This sequence change replaces proline, which is neutral and non-polar, with leucine, which is neutral and non-polar, at codon 390 of the MAP3K8 protein (p.Pro390Leu). This variant is present in population databases (rs138733925, gnomAD 0.08%), and has an allele count higher than expected for a pathogenic variant. This variant has not been reported in the literature in individuals affected with MAP3K8-related conditions. ClinVar contains an entry for this variant (Variation ID: 1444368). An algorithm developed to predict the effect of missense changes on protein structure and function (PolyPhen-2) suggests that this variant is likely to be disruptive. In summary, the available evidence is currently insufficient to determine the role of this variant in disease. Therefore, it has been classified as a Variant of Uncertain Significance.